The following is an entry in ClinVar:

ClinVar aggregate classification (germline): Likely benign. Review status: criteria provided, multiple submitters, no conflicts (2 of 4 stars). 2 submissions from 2 submitters: Likely benign (2). Last evaluated 2026-01-01.

gnomAD v4.1: 19 of 1,613,308 alleles (0.0012%); highest among the groups gnomAD compares: African/African-American, 0.011%; no homozygotes.

Submissions (2):

CeGaT Center for Human Genetics Tuebingen
Classification: Likely benign. Last evaluated: 2026-01-01. Review status: criteria provided, single submitter. Criteria: CeGaT Center For Human Genetics Tuebingen Variant Classification Criteria Version 2. Collection method: clinical testing. Allele origin: germline. Affected: yes. Observed: 1 variant allele.
Comment: RIPOR2: BP4, BP7

Labcorp Genetics (formerly Invitae), Labcorp
Classification: Likely benign. Last evaluated: 2022-07-06. Review status: criteria provided, single submitter. Criteria: Invitae Variant Classification Sherloc (09022015). Collection method: clinical testing. Allele origin: germline.

NM_001286445.3(RIPOR2):c.114G>A (p.Ser38=)

Gene: RIPOR2 (RHO family interacting cell polarization regulator 2; minus strand). Cytogenetic location: 6p22.3.
Variant type: single nucleotide variant.
Coding change: c.114G>A on transcript NM_001286445.3 (MANE Select); coding-DNA position 114, G replaced by A.
Protein change: p.Ser38=; no amino-acid change (serine 38 retained).
Molecular consequence: synonymous variant.
Genome position (GRCh38, 1-based): chr6:24,875,765, C>T on the plus strand (G>A on the coding strand, the complement: RIPOR2 is on the minus strand). VCF-style: chr6-24875765-C-T. GRCh37 (hg19) VCF-style: chr6-24875993-C-T.
Other names: c.129G>A, p.Ser43= (NM_001286446.3); c.27G>A, p.Ser9= (NM_001286447.2, NM_001346031.2, NM_001346032.2 and 2 more transcripts).
Identifiers: ClinVar variation 1680527 (VCV001680527.12), dbSNP rs2295197, ClinGen allele CA3659643.